The following is an entry in ClinVar:

ClinVar aggregate classification (germline): Likely benign (1 of 4 stars; one submission).

Conditions:
Ehlers-Danlos syndrome, type 4 (EDSVASC). Also called: Ehlers-Danlos Syndrome Type IV; Ehlers-Danlos syndrome vascular type; Ehlers Danlos syndrome, ecchymotic type; Ehlers Danlos syndrome, arterial type; Ehlers Danlos syndrome, Sack-Barabas type. Identifiers: Orphanet 286, MedGen C0268338, MONDO:0017314, OMIM 130050.

Submission:

All of Us Research Program, National Institutes of Health
Classification: Likely benign for Ehlers-Danlos syndrome, type 4. Last evaluated: 2023-09-04. Review status: criteria provided, single submitter. Criteria: ACMG Guidelines, 2015. Collection method: clinical testing. Allele origin: germline. Inheritance: Autosomal dominant inheritance. Observed: 1 variant allele, 1 heterozygote.
Comment: This study involves interpretation of variants in research participants for the purpose of population health screening. Participant phenotype was not available at the time of variant classification. Additional details can be found in publication PMID: 35346344, PMCID: PMC8962531

NM_000090.4(COL3A1):c.387A>T (p.Pro129=)

Gene: COL3A1 (collagen type III alpha 1 chain; plus strand). Cytogenetic location: 2q32.2.
Variant type: single nucleotide variant.
Coding change: c.387A>T on transcript NM_000090.4 (MANE Select); coding-DNA position 387, A replaced by T.
Protein change: p.Pro129=; no amino-acid change (proline 129 retained).
Molecular consequence: synonymous variant.
Genome position (GRCh38, 1-based): chr2:188,985,718, A>T. VCF-style: chr2-188985718-A-T. GRCh37 (hg19) VCF-style: chr2-189850444-A-T.
Identifiers: ClinVar variation 3073295 (VCV003073295.1), dbSNP rs2469108328, ClinGen allele CA430308790.